The following is an entry in ClinVar:

NM_022552.5(DNMT3A):c.640-1440C>T

Gene: DNMT3A (DNA methyltransferase 3 alpha; minus strand). Cytogenetic location: 2p23.3.
Variant type: single nucleotide variant.
Coding change: c.640-1440C>T on transcript NM_022552.5 (MANE Select); 1440 bases into the intron before coding-DNA position 640, C replaced by T.
Molecular consequence: intron variant. On other transcripts: missense variant (1).
Genome position (GRCh38, 1-based): chr2:25,249,692, G>A on the plus strand (C>T on the coding strand, the complement: DNMT3A is on the minus strand). VCF-style: chr2-25249692-G-A. GRCh37 (hg19) VCF-style: chr2-25472561-G-A.
Other names: c.37C>T, p.Arg13Cys (NM_153759.3); c.640-1440C>T (NM_175629.2); c.184-1440C>T (NM_001320893.1); c.-30-1440C>T (NM_001375819.1); short protein forms R13C.
Identifiers: ClinVar variation 4989936 (VCV004989936.1).

ClinVar aggregate classification (germline): Uncertain significance (1 of 4 stars; one submission).

Conditions:
DNMT3A-related disorder. Also called: DNMT3A-related disorders; DNMT3A-related condition.

gnomAD v4.1: 23 of 1,614,106 alleles (0.0014%); highest among the groups gnomAD compares: African/African-American, 0.0053%; no homozygotes.

Submission:

PreventionGenetics, part of Exact Sciences
Classification: Uncertain significance for DNMT3A-related condition. Last evaluated: 2026-03-10. Review status: criteria provided, single submitter. Criteria: ACMG Guidelines, 2015. Collection method: clinical testing. Allele origin: germline.
Comment: The DNMT3A c.37C>T variant is predicted to result in the amino acid substitution p.Arg13Cys. To our knowledge, this variant has not been reported in the literature. This variant is reported in 0.012% of alleles in individuals of African descent in gnomAD. At this time, the clinical significance of this variant is uncertain due to the absence of conclusive functional and genetic evidence.